The following is an entry in ClinVar:

NM_003482.4(KMT2D):c.9336A>G (p.Ala3112=)

Gene: KMT2D (lysine methyltransferase 2D; minus strand). Cytogenetic location: 12q13.12.
Variant type: single nucleotide variant.
Coding change: c.9336A>G on transcript NM_003482.4 (MANE Select); coding-DNA position 9336, A replaced by G.
Protein change: p.Ala3112=; no amino-acid change (alanine 3112 retained).
Molecular consequence: synonymous variant.
Genome position (GRCh38, 1-based): chr12:49,038,020, T>C on the plus strand (A>G on the coding strand, the complement: KMT2D is on the minus strand). VCF-style: chr12-49038020-T-C. GRCh37 (hg19) VCF-style: chr12-49431803-T-C.
Identifiers: ClinVar variation 2086368 (VCV002086368.7), dbSNP rs371304851, ClinGen allele CA236644708.

ClinVar aggregate classification (germline): Benign/Likely benign. Review status: criteria provided, multiple submitters, no conflicts (2 of 4 stars). 3 submissions from 3 submitters: Benign (1); Likely benign (1). 1 of the submissions does not count toward it. Last evaluated 2023-08-17.

Conditions:
Kabuki syndrome. Also called: Kabuki make-up syndrome; NIIKAWA-KUROKI SYNDROME. Identifiers: Orphanet 2322, MedGen C0796004, MONDO:0016512.
KMT2D-related disorder. Also called: KMT2D-Related Disorders.

Allele frequency attached by ClinVar (database versions not stated): gnomAD exomes 0.00001; ESP Exome Variant Server 0.00008.

Submissions (3):

Labcorp Genetics (formerly Invitae), Labcorp
Classification: Benign for Kabuki syndrome. Last evaluated: 2023-08-17. Review status: criteria provided, single submitter. Criteria: Invitae Variant Classification Sherloc (09022015). Collection method: clinical testing. Allele origin: germline.

Blueprint Genetics
Classification: Likely benign. Last evaluated: 2022-07-07. Review status: criteria provided, single submitter. Criteria: ACMG Guidelines, 2015. Collection method: clinical testing. Allele origin: germline.

PreventionGenetics, part of Exact Sciences
Classification: Likely benign for KMT2D-related condition. Last evaluated: 2022-09-29. Review status: no assertion criteria provided. Collection method: clinical testing. Allele origin: germline. Not counted in ClinVar's aggregate classification.
Comment: This variant is classified as likely benign based on ACMG/AMP sequence variant interpretation guidelines (Richards et al. 2015 PMID: 25741868, with internal and published modifications).